The following is an entry in ClinVar:

ClinVar aggregate classification (germline): Pathogenic. Review status: criteria provided, multiple submitters, no conflicts (2 of 4 stars). 3 submissions from 3 submitters: Pathogenic (3). Last evaluated 2020-01-13.

Conditions:
Carnitine acylcarnitine translocase deficiency (CACTD). Identifiers: Orphanet 159, MedGen C0342791, MONDO:0008918, OMIM 212138.

Allele frequency attached by ClinVar (database versions not stated): gnomAD exomes below 0.00001.

Submissions (3):

Women's Health and Genetics/Laboratory Corporation of America, LabCorp
Classification: Pathogenic for Carnitine acylcarnitine translocase deficiency. Last evaluated: 2020-01-13. Review status: criteria provided, single submitter. Criteria: LabCorp Variant Classification Summary - May 2015. Collection method: clinical testing. Allele origin: germline.
Comment: Variant summary: SLC25A20 c.270delC (p.Phe91LeufsX38) results in a premature termination codon, predicted to cause a truncation of the encoded protein or absence of the protein due to nonsense mediated decay, which are commonly known mechanisms for disease. Truncations downstream of this position have been classified as pathogenic by our laboratory. The variant was absent in 250358 control chromosomes. c.270delC has been reported in the literature in at-least one homozygous individual affected with Carnitine-Acylcarnitine Translocase Deficiency (Hsu_2001) and cited frequently by others (example, Wang_2011 and Costa_2003). These data indicate that the variant may be associated with disease. At least one publication reports experimental evidence evaluating an impact on protein function. The most pronounced variant effect results in <10% of normal CACT enzyme activity (Hsu_2001). No clinical diagnostic laboratories have submitted clinical-significance assessments for this variant to ClinVar after 2014. Based on the evidence outlined above, the variant was classified as pathogenic.

Center for Molecular Medicine, Children’s Hospital of Fudan University
Classification: Pathogenic for Carnitine acylcarnitine translocase deficiency. Last evaluated: 2019-05-10. Review status: criteria provided, single submitter. Criteria: ACMG Guidelines, 2015. Collection method: clinical testing. Allele origin: maternal. Affected: yes.

Juno Genomics, Hangzhou Juno Genomics, Inc
Classification: Pathogenic for Carnitine acylcarnitine translocase deficiency. Review status: criteria provided, single submitter. Criteria: ACMG Guidelines, 2015. Collection method: clinical testing. Allele origin: germline.
Comment: Absent from controls (or at extremely low frequency if recessive) in Genome Aggregation Database.;Null variant in a gene where loss of function (LOF) is a known mechanism of disease.;For recessive disorders, detected in trans with a pathogenic variant.;Patient's phenotype or family history is highly specific for a disease with a single genetic etiology.

Literature cited by the submitters: PubMed 12559850 (cited by Women's Health and Genetics/Laboratory Corporation of America, LabCorp); PubMed 11592821 (cited by Women's Health and Genetics/Laboratory Corporation of America, LabCorp); PubMed 21605995 (cited by Women's Health and Genetics/Laboratory Corporation of America, LabCorp).

NM_000387.6(SLC25A20):c.270del (p.Phe91fs)

Gene: SLC25A20 (solute carrier family 25 member 20; minus strand). Cytogenetic location: 3p21.31.
Variant type: Deletion.
Coding change: c.270del on transcript NM_000387.6 (MANE Select); coding-DNA position 270, one base deleted (C; older notation c.270delC).
Protein change: p.Phe91fs; shifts the reading frame from phenylalanine 91.
Molecular consequence: frameshift variant.
Genome position (GRCh38, 1-based): chr3:48,884,053, G deleted on the plus strand (C on the coding strand, the reverse complement: SLC25A20 is on the minus strand). VCF-style (leftmost placement, unchanged base first): chr3-48884052-AG-A. GRCh37 (hg19) VCF-style: chr3-48921485-AG-A.
Other names: short protein forms F91fs.
Identifiers: ClinVar variation 830060 (VCV000830060.8), dbSNP rs1575989549, ClinGen allele CA658760348.